The following is an entry in ClinVar:

NM_019074.4(DLL4):c.978C>T (p.Ser326=)

Gene: DLL4 (delta like canonical Notch ligand 4; plus strand). Cytogenetic location: 15q15.1.
Variant type: single nucleotide variant.
Coding change: c.978C>T on transcript NM_019074.4 (MANE Select); coding-DNA position 978, C replaced by T.
Protein change: p.Ser326=; no amino-acid change (serine 326 retained).
Molecular consequence: synonymous variant.
Genome position (GRCh38, 1-based): chr15:40,934,675, C>T. VCF-style: chr15-40934675-C-T. GRCh37 (hg19) VCF-style: chr15-41226873-C-T.
Identifiers: ClinVar variation 2198712 (VCV002198712.6), dbSNP rs372893200, ClinGen allele CA7487812.
Genomic context (GRCh38, chr15:40,934,675, plus strand): 5'-AAGCTACACCTGCACCTGTCGCCCAGGCTACACTGGTGTGGACTGTGAGCTGGAGCTCAG[C>T]GAGTGTGACAGCAACCCCTGTCGCAATGGAGGCAGCTGTAAGGTGAGGCCCAGACCAGCG-3'
Protein context (NP_061947.1, residues 316-336): YTGVDCELEL[Ser326=]ECDSNPCRNG

ClinVar aggregate classification (germline): Conflicting classifications of pathogenicity. Review status: criteria provided, conflicting classifications (1 of 4 stars). 2 submissions from 2 submitters: Uncertain significance (1); Likely benign (1). Last evaluated 2024-07-19.

Allele frequency attached by ClinVar (database versions not stated): ESP Exome Variant Server 0.00015.
gnomAD v4.1: 77 of 1,613,718 alleles (0.0048%); highest among the groups gnomAD compares: South Asian, 0.0077%; no homozygotes.

Submissions (3):

Blueprint Genetics
Classification: Likely benign. Last evaluated: 2024-07-19. Review status: criteria provided, single submitter. Criteria: ACMG Guidelines, 2015. Collection method: clinical testing. Allele origin: germline.

Labcorp Genetics (formerly Invitae), Labcorp
Classification: Uncertain significance. Last evaluated: 2022-06-14. Review status: criteria provided, single submitter. Criteria: Invitae Variant Classification Sherloc (09022015). Collection method: clinical testing. Allele origin: germline.
Comment: This sequence change affects codon 326 of the DLL4 mRNA. It is a 'silent' change, meaning that it does not change the encoded amino acid sequence of the DLL4 protein. This variant is present in population databases (rs372893200, gnomAD 0.007%). This variant has not been reported in the literature in individuals affected with DLL4-related conditions. Algorithms developed to predict the effect of sequence changes on RNA splicing suggest that this variant may create or strengthen a splice site. In summary, the available evidence is currently insufficient to determine the role of this variant in disease. Therefore, it has been classified as a Variant of Uncertain Significance.

Dr. Peter K. Rogan Lab, Western University
No classification provided (evidence only). Condition: Clear cell carcinoma of kidney. Review status: no classification provided. Collection method: in vitro. Allele origin: not applicable. Functional consequence: retained intron. Not counted in ClinVar's aggregate classification.